The following is an entry in ClinVar:

ClinVar aggregate classification (germline): Uncertain significance. Review status: criteria provided, multiple submitters, no conflicts (2 of 4 stars). 2 submissions from 2 submitters: Uncertain significance (2). Last evaluated 2025-03-11.

Conditions:
Hereditary nonpolyposis colorectal neoplasms. Identifiers: MedGen C0009405, MeSH D003123.
Hereditary cancer-predisposing syndrome. Also called: Hereditary Cancer Syndrome; Neoplastic Syndromes, Hereditary; Tumor predisposition; Hereditary neoplastic syndrome. Identifiers: Orphanet 140162, MedGen C0027672, MeSH D009386, MONDO:0015356.

Allele frequency attached by ClinVar (database versions not stated): gnomAD exomes below 0.00001.
gnomAD v4.1: 1 of 1,611,898 alleles (0.000062%); highest among the groups gnomAD compares: Non-Finnish European, 0.000085%; no homozygotes.

Submissions (2):

Labcorp Genetics (formerly Invitae), Labcorp
Classification: Uncertain significance for Hereditary nonpolyposis colorectal neoplasms. Last evaluated: 2025-03-11. Review status: criteria provided, single submitter. Criteria: Invitae Variant Classification Sherloc (09022015). Collection method: clinical testing. Allele origin: germline.
Comment: This sequence change replaces isoleucine, which is neutral and non-polar, with phenylalanine, which is neutral and non-polar, at codon 144 of the PMS2 protein (p.Ile144Phe). This variant is not present in population databases (gnomAD no frequency). This variant has not been reported in the literature in individuals affected with PMS2-related conditions. ClinVar contains an entry for this variant (Variation ID: 490103). Invitae Evidence Modeling incorporating data from in vitro experimental studies (internal data) indicates that this missense variant is not expected to disrupt PMS2 function with a negative predictive value of 95%. In summary, the available evidence is currently insufficient to determine the role of this variant in disease. Therefore, it has been classified as a Variant of Uncertain Significance.

Color Diagnostics, LLC DBA Color Health
Classification: Uncertain significance for Hereditary cancer-predisposing syndrome. Last evaluated: 2023-12-05. Review status: criteria provided, single submitter. Criteria: ACMG Guidelines, 2015. Collection method: clinical testing. Allele origin: germline.
Comment: This missense variant replaces isoleucine with phenylalanine at codon 144 of the PMS2 protein. Computational prediction suggests that this variant may not impact protein structure and function (internally defined REVEL score threshold <= 0.5, PMID: 27666373). To our knowledge, functional studies have not been reported for this variant. This variant has not been reported in individuals affected with PMS2-related disorders in the literature. This variant has not been identified in the general population by the Genome Aggregation Database (gnomAD). The available evidence is insufficient to determine the role of this variant in disease conclusively. Therefore, this variant is classified as a Variant of Uncertain Significance.

NM_000535.7(PMS2):c.430A>T (p.Ile144Phe)

Gene: PMS2 (PMS1 homolog 2, mismatch repair system component; minus strand). Cytogenetic location: 7p22.1.
Variant type: single nucleotide variant.
Coding change: c.430A>T on transcript NM_000535.7 (MANE Select); coding-DNA position 430, A replaced by T.
Protein change: p.Ile144Phe; replaces isoleucine 144 with phenylalanine.
Molecular consequence: missense variant. On other transcripts: 5 prime UTR variant (2), non-coding transcript variant (1).
Genome position (GRCh38, 1-based): chr7:6,002,560, T>A on the plus strand (A>T on the coding strand, the complement: PMS2 is on the minus strand). VCF-style: chr7-6002560-T-A. GRCh37 (hg19) VCF-style: chr7-6042191-T-A.
Other names: c.25A>T, p.Ile9Phe (NM_001322003.2, NM_001322004.2, NM_001322005.2 and 3 more transcripts); c.430A>T, p.Ile144Phe (NM_001322006.2, NM_001322014.2); c.112A>T, p.Ile38Phe (NM_001322007.2, NM_001322008.2); c.-455A>T (NM_001322011.2, NM_001322012.2); c.121A>T, p.Ile41Phe (NM_001322015.2); short protein forms I144F, I41F, I9F, I38F.
Identifiers: ClinVar variation 490103 (VCV000490103.6), dbSNP rs876659055, ClinGen allele CA366744364.